The following is an entry in ClinVar:

ClinVar aggregate classification (germline): Pathogenic. Review status: criteria provided, multiple submitters, no conflicts (2 of 4 stars). 8 submissions from 8 submitters: Pathogenic (7). 1 of the submissions does not count toward it. Last evaluated 2025-12-13.

Conditions:
Hereditary cancer-predisposing syndrome. Also called: Hereditary Cancer Syndrome; Tumor predisposition; Hereditary neoplastic syndrome; Neoplastic Syndromes, Hereditary. Identifiers: Orphanet 140162, MedGen C0027672, MeSH D009386, MONDO:0015356.
Multiple endocrine neoplasia, type 1 (MEN1). Also called: MEA I; MEN I; WERMER SYNDROME; Endocrine adenomatosis multiple; MEN 1. Identifiers: Orphanet 652, MedGen C0025267, MeSH D018761, MONDO:0007540, OMIM 131100.

Submissions (8):

Labcorp Genetics (formerly Invitae), Labcorp
Classification: Pathogenic for Multiple endocrine neoplasia, type 1. Last evaluated: 2025-12-13. Review status: criteria provided, single submitter. Criteria: Invitae Variant Classification Sherloc (09022015). Collection method: clinical testing. Allele origin: germline.
Comment: This sequence change creates a premature translational stop signal (p.Thr210Serfs*13) in the MEN1 gene. It is expected to result in an absent or disrupted protein product. Loss-of-function variants in MEN1 are known to be pathogenic (PMID: 12112656, 17853334). This variant is not present in population databases (gnomAD no frequency). This premature translational stop signal has been observed in individual(s) with multiple endocrine neoplasia type 1 (PMID: 9709921, 10664520, 17879353, 22026581, 23154721, 25309785). Invitae Evidence Modeling of clinical and family history, age, sex, and reported ancestry of multiple individuals with this MEN1 variant has been performed. This variant is expected to be pathogenic with a positive predictive value of at least 99%. This is a validated machine learning model that incorporates the clinical features of 1,366,787 individuals referred to our laboratory for MEN1 testing. ClinVar contains an entry for this variant (Variation ID: 200997). For these reasons, this variant has been classified as Pathogenic.

Ambry Genetics
Classification: Pathogenic for Hereditary cancer-predisposing syndrome. Last evaluated: 2025-09-26. Review status: criteria provided, single submitter. Criteria: Ambry Variant Classification Scheme 2023. Collection method: clinical testing. Allele origin: germline.
Comment: The c.628_631delACAG pathogenic mutation, located in coding exon 2 of the MEN1 gene, results from a deletion of 4 nucleotides at nucleotide positions 628 to 631, causing a translational frameshift with a predicted alternate stop codon (p.T210Sfs*13). This mutation has been previously reported in multiple individuals diagnosed with MEN1 (Chandrasekharappa SC et al. Science. 1997 Apr 18;276(5311):404-7; Jager AC et al. Mol. Cell. Endocrinol. 2006 Apr;249(1-2):123-32; Lemos MC and Thakker RV. Hum. Mutat. 2008 Jan;29(1):22-32; Belar O et al. Clin. Endocrinol. (Oxf) 2012 May;76(5):719-24; Ozveren A et al. Intern. Med. 2012;51(22):3145-9; Padidela R et al. Eur. J. Endocrinol. 2014 May; 170(5):741-7; Pardi E et al. PLoS ONE. 2017 Oct;12(10):e0186485). This variant is considered to be rare based on population cohorts in the Genome Aggregation Database (gnomAD). This alteration is expected to result in loss of function by premature protein truncation or nonsense-mediated mRNA decay. As such, this alteration is interpreted as a disease-causing mutation.

ARUP Laboratories, Molecular Genetics and Genomics, ARUP Laboratories
Classification: Pathogenic. Last evaluated: 2025-04-29. Review status: criteria provided, single submitter. Criteria: ARUP Molecular Germline Variant Investigation Process 2024. Collection method: clinical testing. Allele origin: germline.
Comment: The MEN1 c.628_631delACAG, p.Thr210fs variant (rs794728640) has been reported in multiple families with multiple endocrine neoplasia type 1 (Cardinal 2005, Chandrasekharappa 1997, Jager 2006, Klein 2005, Ozveren 2012, Teh 1998). This variant is absent from the Genome Aggregation Database, indicating it is not a common polymorphism. This variant causes a frameshift by deleting 4 nucleotides, so it is predicted to result in a truncated protein or mRNA subject to nonsense-mediated decay. Based on the above information, the variant is classified as pathogenic. References: Cardinal J et al. A report of a national mutation testing service for the MEN1 gene: clinical presentations and implications for mutation testing. J Med Genet. 2005; 42(1):69-74. PMID: 15635078 Chandrasekharappa S et al. Positional cloning of the gene for multiple endocrine neoplasia-type 1. Science. 1997; 276(5311):404-7. PMID: 9103196. Jager A et al. Characteristics of the Danish families with multiple endocrine neoplasia type 1. Mol Cell Endocrinol. 2006; 249(1-2):123-32. PMID: 16563611. Klein R et al. Clinical testing for multiple endocrine neoplasia type 1 in a DNA diagnostic laboratory. Genet Med. 2005; 7(2):131-8. PMID: 15714081. Ozveren A et al. A puzzling case of phospho-soda-induced hypocalcemia in a patient with multiple endocrine neoplasia type 1-associated primary hyperparathyroidism. Intern Med. 2012; 51(22):3145-9. PMID: 23154721. Teh B et al. Mutation analysis of the MEN1 gene in multiple endocrine neoplasia type 1, familial acromegaly and familial isolated hyperparathyroidism. J Clin Endocrinol Metab. 1998; 83(8):2621-6. PMID: 9709921

Bioscientia Institut fuer Medizinische Diagnostik GmbH, Sonic Healthcare
Classification: Pathogenic for Multiple endocrine neoplasia, type 1. Last evaluated: 2025-02-07. Review status: criteria provided, single submitter. Criteria: ACMG Guidelines, 2015. Collection method: clinical testing. Allele origin: germline. Affected: yes.

Quest Diagnostics Nichols Institute San Juan Capistrano
Classification: Pathogenic. Last evaluated: 2023-07-26. Review status: criteria provided, single submitter. Criteria: Quest Diagnostics criteria. Collection method: clinical testing. Allele origin: unknown.
Comment: his variant alters the translational reading frame of the MEN1 mRNA and causes the premature termination of MEN1 protein synthesis. This variant has been reported in numerous patients with Multiple Endocrine Neoplasia Type 1 in the published literature (PMID: 22026581 (2012), 25309785 (2014), 28870973 (2017), and 29036195 (2017)). Based on the available information, this variant is classified as pathogenic.

GeneDx
Classification: Pathogenic. Last evaluated: 2022-04-27. Review status: criteria provided, single submitter. Criteria: GeneDx Variant Classification Process June 2021. Collection method: clinical testing. Allele origin: germline. Affected: yes.
Comment: Frameshift variant predicted to result in protein truncation or nonsense mediated decay in a gene for which loss-of-function is a known mechanism of disease; Not observed at significant frequency in large population cohorts (gnomAD); Also known as c.643_646delACAG, c.735del4, or c.738delACAG; This variant is associated with the following publications: (PMID: 9709921, 15714081, 9683585, 10090472, 29036195, 30324798, 23154721, 9215689, 24599222, 20833329, 17879353, 23933118, 16563611, 15670192, 12112656, 9747036, 12746426, 12049533, 11966739, 12166655, 9103196, 15635078, 26767918, 28870973, 10664520)

Genetic Services Laboratory, University of Chicago
Classification: Pathogenic for Multiple endocrine neoplasia 1. Last evaluated: 2016-11-30. Review status: criteria provided, single submitter. Criteria: ACMG Guidelines, 2015. Collection method: clinical testing. Allele origin: germline. Affected: yes.

OMIM
Classification: Pathogenic for MULTIPLE ENDOCRINE NEOPLASIA, TYPE I. Last evaluated: 1997-04-18. Review status: no assertion criteria provided. Collection method: literature only. Allele origin: germline. Not counted in ClinVar's aggregate classification.

Literature cited by the submitters: PubMed 12112656 (cited by Labcorp Genetics (formerly Invitae), Labcorp and Quest Diagnostics Nichols Institute San Juan Capistrano); PubMed 17853334 (cited by Labcorp Genetics (formerly Invitae), Labcorp); PubMed 9709921 (cited by Labcorp Genetics (formerly Invitae), Labcorp); PubMed 10664520 (cited by Labcorp Genetics (formerly Invitae), Labcorp); PubMed 17879353 (cited by Labcorp Genetics (formerly Invitae), Labcorp); PubMed 22026581 (cited by 3 submitters); PubMed 23154721 (cited by Labcorp Genetics (formerly Invitae), Labcorp and Quest Diagnostics Nichols Institute San Juan Capistrano); PubMed 25309785 (cited by Labcorp Genetics (formerly Invitae), Labcorp and Quest Diagnostics Nichols Institute San Juan Capistrano); PubMed 15635078 (cited by Ambry Genetics); PubMed 15670192 (cited by Ambry Genetics); PubMed 16563611 (cited by Ambry Genetics); PubMed 24599222 (cited by Ambry Genetics); PubMed 26767918 (cited by Ambry Genetics); PubMed 28870973 (cited by Ambry Genetics and Quest Diagnostics Nichols Institute San Juan Capistrano); PubMed 29036195 (cited by Ambry Genetics and Quest Diagnostics Nichols Institute San Juan Capistrano); PubMed 30324798 (cited by Ambry Genetics and Quest Diagnostics Nichols Institute San Juan Capistrano); PubMed 32430905 (cited by Quest Diagnostics Nichols Institute San Juan Capistrano); PubMed 31592449 (cited by Quest Diagnostics Nichols Institute San Juan Capistrano); PubMed 31482957 (cited by Quest Diagnostics Nichols Institute San Juan Capistrano); PubMed 37351122 (cited by Quest Diagnostics Nichols Institute San Juan Capistrano); PubMed 12746426 (cited by Quest Diagnostics Nichols Institute San Juan Capistrano); PubMed 17065424 (cited by Quest Diagnostics Nichols Institute San Juan Capistrano); PubMed 9103196 (cited by OMIM).

NM_001370259.2(MEN1):c.628_631del (p.Thr210fs)

Gene: MEN1 (menin 1; minus strand). Cytogenetic location: 11q13.1.
Variant type: Deletion.
Coding change: c.628_631del on transcript NM_001370259.2 (MANE Select); coding-DNA positions 628 to 631, 4 bases deleted (ACAG; older notation c.628_631delACAG).
Protein change: p.Thr210fs; shifts the reading frame from threonine 210.
Molecular consequence: frameshift variant. On other transcripts: intron variant (2).
Genome position (GRCh38, 1-based): chr11:64,807,914-64,807,917, CTGT deleted on the plus strand (ACAG on the coding strand, the reverse complement: MEN1 is on the minus strand); deleting any 4 consecutive bases within chr11:64,807,914-64,807,920 gives the same sequence; the c. name uses the placement nearest the transcript's 3' end. VCF-style (leftmost placement, unchanged base first): chr11-64807913-ACTGT-A. GRCh37 (hg19) VCF-style: chr11-64575385-ACTGT-A.
Other names: c.628_631delACAG (NM_130799.2); c.643_646del, p.Thr215fs (NM_000244.4, NM_130800.3, NM_130801.3 and 3 more transcripts); c.628_631del, p.Thr210fs (NM_001370251.2, NM_001370260.2, NM_001370261.2 and 1 more transcripts); c.549+79_549+82del (NM_001370263.2, NM_001370262.2); short protein forms T210fs, T215fs.
Identifiers: ClinVar variation 200997 (VCV000200997.24), dbSNP rs794728640, ClinGen allele CA009530.
Genomic context (GRCh38, chr11:64,807,913, plus strand): 5'-AGTATGAAGGGGACAAGGCTGGGGGGAGGGAACAATACCCGCTCAGCCACACCGGCATTG[ACTGT>A]CTGGCCCCTGCGGTCCTCGTTGCCCTTGCCGTGCCAGGTGACCTCAGCTGTCTGCTCCCC-3'